The following is an entry in ClinVar:

ClinVar aggregate classification (germline): Uncertain significance (1 of 4 stars; one submission).

Submission:

GeneDx
Classification: Uncertain significance. Last evaluated: 2025-03-28. Review status: criteria provided, single submitter. Criteria: GeneDx Variant Classification Process June 2021. Collection method: clinical testing. Allele origin: germline. Affected: yes.
Comment: Not observed at significant frequency in large population cohorts (gnomAD); In silico analysis supports that this missense variant has a deleterious effect on protein structure/function; Has not been previously published as pathogenic or benign to our knowledge

NM_004004.6(GJB2):c.199C>T (p.His67Tyr)

Gene: GJB2 (gap junction protein beta 2; minus strand). Cytogenetic location: 13q12.11.
Variant type: single nucleotide variant.
Coding change: c.199C>T on transcript NM_004004.6 (MANE Select); coding-DNA position 199, C replaced by T.
Protein change: p.His67Tyr; replaces histidine 67 with tyrosine.
Molecular consequence: missense variant.
Genome position (GRCh38, 1-based): chr13:20,189,383, G>A on the plus strand (C>T on the coding strand, the complement: GJB2 is on the minus strand). VCF-style: chr13-20189383-G-A. GRCh37 (hg19) VCF-style: chr13-20763522-G-A.
Other names: short protein forms H67Y.
Identifiers: ClinVar variation 4088074 (VCV004088074.1).